The following is an entry in ClinVar:

NM_017791.3(FLVCR2):c.1009T>A (p.Trp337Arg)

Gene: FLVCR2 (FLVCR choline and putative heme transporter 2; plus strand). Cytogenetic location: 14q24.3.
Variant type: single nucleotide variant.
Coding change: c.1009T>A on transcript NM_017791.3 (MANE Select); coding-DNA position 1009, T replaced by A.
Protein change: p.Trp337Arg; replaces tryptophan 337 with arginine.
Molecular consequence: missense variant.
Genome position (GRCh38, 1-based): chr14:75,633,685, T>A. VCF-style: chr14-75633685-T-A. GRCh37 (hg19) VCF-style: chr14-76100028-T-A.
Other names: c.394T>A, p.Trp132Arg (NM_001195283.2); short protein forms W132R, W337R.
Identifiers: ClinVar variation 1921384 (VCV001921384.5), dbSNP rs1555377297, ClinGen allele CA7278402.

ClinVar aggregate classification (germline): Uncertain significance (1 of 4 stars; one submission).

Allele frequency attached by ClinVar (database versions not stated): gnomAD exomes below 0.00001; TOPMed below 0.00001; gnomAD 0.00001; ExAC 0.00002.
gnomAD v4.1: 6 of 1,613,424 alleles (0.00037%); highest among the groups gnomAD compares: Middle Eastern, 0.016%; no homozygotes.

Submission:

Labcorp Genetics (formerly Invitae), Labcorp
Classification: Uncertain significance. Last evaluated: 2023-08-10. Review status: criteria provided, single submitter. Criteria: Invitae Variant Classification Sherloc (09022015). Collection method: clinical testing. Allele origin: germline.
Comment: This sequence change replaces tryptophan, which is neutral and slightly polar, with arginine, which is basic and polar, at codon 337 of the FLVCR2 protein (p.Trp337Arg). This variant is present in population databases (no rsID available, gnomAD 0.0009%). This variant has not been reported in the literature in individuals affected with FLVCR2-related conditions. ClinVar contains an entry for this variant (Variation ID: 1921384). Advanced modeling of protein sequence and biophysical properties (such as structural, functional, and spatial information, amino acid conservation, physicochemical variation, residue mobility, and thermodynamic stability) performed at Invitae indicates that this missense variant is not expected to disrupt FLVCR2 protein function. In summary, the available evidence is currently insufficient to determine the role of this variant in disease. Therefore, it has been classified as a Variant of Uncertain Significance.